The following is an entry in ClinVar:

NM_020066.5(FMN2):c.2805C>G (p.Pro935=)

Gene: FMN2 (formin 2; plus strand). Cytogenetic location: 1q43.
Variant type: single nucleotide variant.
Coding change: c.2805C>G on transcript NM_020066.5 (MANE Select); coding-DNA position 2805, C replaced by G.
Protein change: p.Pro935=; no amino-acid change (proline 935 retained).
Molecular consequence: synonymous variant. On other transcripts: intron variant (1).
Genome position (GRCh38, 1-based): chr1:240,207,617, C>G. VCF-style: chr1-240207617-C-G. GRCh37 (hg19) VCF-style: chr1-240370917-C-G.
Other names: c.1986+19355C>G (NM_001348094.2); c.2817C>G, p.Pro939= (NM_001305424.2).
Identifiers: ClinVar variation 4820909 (VCV004820909.4).
Genomic context (GRCh38, chr1:240,207,617, plus strand): 5'-TCCCGGAGCGGGCATACCTCCTCCGCCGCCTCTACCCGGAGCAGGCATACTCCCTCTGCC[C>G]CCTCTACCCGGAGCGGGAATACCTCCTCCGCCCCCTCTACCCGGAGCGGCAATACCCCCT-3'
Protein context (NP_064450.3, residues 925-945): PLPGAGILPL[Pro935=]PLPGAGIPPP

ClinVar aggregate classification (germline): Likely benign (1 of 4 stars; one submission).

gnomAD v4.1: 11 of 1,171,430 alleles (0.00094%); highest among the groups gnomAD compares: East Asian, 0.036%; no homozygotes.

Submission:

CeGaT Center for Human Genetics Tuebingen
Classification: Likely benign. Last evaluated: 2026-02-01. Review status: criteria provided, single submitter. Criteria: CeGaT Center For Human Genetics Tuebingen Variant Classification Criteria Version 2. Collection method: clinical testing. Allele origin: germline. Affected: yes. Observed: 1 variant allele.
Comment: FMN2: BP4, BP7